The following is an entry in ClinVar:

NM_000552.5(VWF):c.4151T>C (p.Leu1384Pro)

Gene: VWF (von Willebrand factor; minus strand). Cytogenetic location: 12p13.31.
Variant type: single nucleotide variant.
Coding change: c.4151T>C on transcript NM_000552.5 (MANE Select); coding-DNA position 4151, T replaced by C.
Protein change: p.Leu1384Pro; replaces leucine 1384 with proline.
Molecular consequence: missense variant.
Genome position (GRCh38, 1-based): chr12:6,019,267, A>G on the plus strand (T>C on the coding strand, the complement: VWF is on the minus strand). VCF-style: chr12-6019267-A-G. GRCh37 (hg19) VCF-style: chr12-6128433-A-G.
Other names: short protein forms L1384P.
Identifiers: ClinVar variation 1330867 (VCV001330867.7), dbSNP rs2136412999, ClinGen allele CA383504383.

ClinVar aggregate classification (germline): Uncertain significance (1 of 4 stars; one submission).

Submission:

ARUP Laboratories, Molecular Genetics and Genomics, ARUP Laboratories
Classification: Uncertain significance. Last evaluated: 2020-11-13. Review status: criteria provided, single submitter. Criteria: ARUP Molecular Germline Variant Investigation Process 2021. Collection method: clinical testing. Allele origin: germline.
Comment: The VWF c.4151T>C; p.Leu1384Pro variant, to our knowledge, is not reported in the medical literature or gene-specific databases. This variant is also absent from general population databases (Exome Variant Server, Genome Aggregation Database), indicating it is not a common polymorphism. The leucine at codon 1384 is highly conserved, and computational analyses predict that this variant is deleterious (REVEL: 0.886). However, due to limited information, the clinical significance of the p.Leu1384Pro variant is uncertain at this time.